The following is an entry in ClinVar:

NM_001128840.3(CACNA1D):c.4451A>G (p.Glu1484Gly)

Gene: CACNA1D (calcium voltage-gated channel subunit alpha1 D; plus strand). Cytogenetic location: 3p21.1.
Variant type: single nucleotide variant.
Coding change: c.4451A>G on transcript NM_001128840.3 (MANE Select); coding-DNA position 4451, A replaced by G.
Protein change: p.Glu1484Gly; replaces glutamic acid 1484 with glycine.
Molecular consequence: missense variant.
Genome position (GRCh38, 1-based): chr3:53,776,691, A>G. VCF-style: chr3-53776691-A-G. GRCh37 (hg19) VCF-style: chr3-53810718-A-G.
Other names: c.4511A>G, p.Glu1504Gly (NM_000720.4); c.4406A>G, p.Glu1469Gly (NM_001128839.3); short protein forms E1484G, E1469G, E1504G.
Identifiers: ClinVar variation 3667260 (VCV003667260.2).
Genomic context (GRCh38, chr3:53,776,691, plus strand): 5'-TGGATAATTTCGACTATCTGACCCGGGACTGGTCTATTTTGGGGCCTCACCATTTAGATG[A>G]ATTCAAAAGAATATGGTCAGAATATGACCCTGAGGCAAAGTAGGTTGAAAAATATTTGAT-3'
Protein context (NP_001122312.1, residues 1474-1494): WSILGPHHLD[Glu1484Gly]FKRIWSEYDP

ClinVar aggregate classification (germline): Uncertain significance (1 of 4 stars; one submission).

Submission:

Labcorp Genetics (formerly Invitae), Labcorp
Classification: Uncertain significance. Last evaluated: 2024-09-17. Review status: criteria provided, single submitter. Criteria: Invitae Variant Classification Sherloc (09022015). Collection method: clinical testing. Allele origin: germline.
Comment: This sequence change replaces glutamic acid, which is acidic and polar, with glycine, which is neutral and non-polar, at codon 1504 of the CACNA1D protein (p.Glu1504Gly). This variant is not present in population databases (gnomAD no frequency). This variant has not been reported in the literature in individuals affected with CACNA1D-related conditions. Invitae Evidence Modeling of protein sequence and biophysical properties (such as structural, functional, and spatial information, amino acid conservation, physicochemical variation, residue mobility, and thermodynamic stability) indicates that this missense variant is expected to disrupt CACNA1D protein function with a positive predictive value of 80%. In summary, the available evidence is currently insufficient to determine the role of this variant in disease. Therefore, it has been classified as a Variant of Uncertain Significance.